The following is an entry in ClinVar:

ClinVar aggregate classification (germline): Likely benign (0 of 4 stars; one submission).

Conditions:
DLG1-related disorder. Also called: DLG1-related condition.

Allele frequency attached by ClinVar (database versions not stated): gnomAD exomes below 0.00001.
gnomAD v4.1: 1 of 1,549,494 alleles (0.000065%); highest among the groups gnomAD compares: Non-Finnish European, 0.000087%; no homozygotes.

Submission:

PreventionGenetics, part of Exact Sciences
Classification: Likely benign for DLG1-related condition. Last evaluated: 2022-06-13. Review status: no assertion criteria provided. Collection method: clinical testing. Allele origin: germline.
Comment: This variant is classified as likely benign based on ACMG/AMP sequence variant interpretation guidelines (Richards et al. 2015 PMID: 25741868, with internal and published modifications).

NM_001366207.1(DLG1):c.483+10856A>G

Gene: DLG1 (discs large MAGUK scaffold protein 1; minus strand). Cytogenetic location: 3q29.
Variant type: single nucleotide variant.
Coding change: c.483+10856A>G on transcript NM_001366207.1 (MANE Select); 10856 bases into the intron after coding-DNA position 483, A replaced by G.
Molecular consequence: intron variant.
Genome position (GRCh38, 1-based): chr3:197,183,569, T>C on the plus strand (A>G on the coding strand, the complement: DLG1 is on the minus strand). VCF-style: chr3-197183569-T-C. GRCh37 (hg19) VCF-style: chr3-196910440-T-C.
Other names: c.483+10856A>G (NM_001366203.1, NM_001290983.2, NM_001366204.1 and 19 more transcripts); c.234+6A>G (NM_001204388.2, NM_001204387.2, NM_001366222.1 and 1 more transcripts).
Identifiers: ClinVar variation 3053723 (VCV003053723.2), dbSNP rs1713871670, ClinGen allele CA1432018534.
Genomic context (GRCh38, chr3:197,183,569, plus strand): 5'-GACATTTTTACAGAGCAAACGTAAACAGAAATAGATTGAAAATAATTTCAACAAGTGGTA[T>C]GTTACCTGGGTGGAGCTGGTGGCTACCGAGATGCAGTCAATAAAGCTGTGTCTTCGAGTG-3'